The following is an entry in ClinVar:

ClinVar aggregate classification (germline): Uncertain significance (1 of 4 stars; one submission).

Submission:

GeneDx
Classification: Uncertain significance. Last evaluated: 2024-04-23. Review status: criteria provided, single submitter. Criteria: GeneDx Variant Classification Process June 2021. Collection method: clinical testing. Allele origin: germline. Affected: yes.
Comment: Not observed at significant frequency in large population cohorts (gnomAD); In silico analysis supports that this missense variant has a deleterious effect on protein structure/function; Has not been previously published as pathogenic or benign to our knowledge

NM_006734.4(HIVEP2):c.2866T>C (p.Phe956Leu)

Gene: HIVEP2 (HIVEP zinc finger 2; minus strand). Cytogenetic location: 6q24.2.
Variant type: single nucleotide variant.
Coding change: c.2866T>C on transcript NM_006734.4 (MANE Select); coding-DNA position 2866, T replaced by C.
Protein change: p.Phe956Leu; replaces phenylalanine 956 with leucine.
Molecular consequence: missense variant.
Genome position (GRCh38, 1-based): chr6:142,771,873, A>G on the plus strand (T>C on the coding strand, the complement: HIVEP2 is on the minus strand). VCF-style: chr6-142771873-A-G. GRCh37 (hg19) VCF-style: chr6-143093010-A-G.
Other names: short protein forms F956L.
Identifiers: ClinVar variation 3372537 (VCV003372537.1).